The following is an entry in ClinVar:

ClinVar aggregate classification (germline): Uncertain significance (1 of 4 stars; one submission).

Submission:

Labcorp Genetics (formerly Invitae), Labcorp
Classification: Uncertain significance. Last evaluated: 2024-11-09. Review status: criteria provided, single submitter. Criteria: Invitae Variant Classification Sherloc (09022015). Collection method: clinical testing. Allele origin: germline.
Comment: This sequence change replaces serine, which is neutral and polar, with asparagine, which is neutral and polar, at codon 202 of the ARID1A protein (p.Ser202Asn). Information on the frequency of this variant in the gnomAD database is not available, as this variant may be reported differently in the database. This variant has not been reported in the literature in individuals affected with ARID1A-related conditions. An algorithm developed to predict the effect of missense changes on protein structure and function (PolyPhen-2) suggests that this variant is likely to be tolerated. In summary, the available evidence is currently insufficient to determine the role of this variant in disease. Therefore, it has been classified as a Variant of Uncertain Significance.

NM_006015.6(ARID1A):c.604_605delinsAA (p.Ser202Asn)

Gene: ARID1A (AT-rich interaction domain 1A; plus strand). Cytogenetic location: 1p36.11.
Variant type: Indel.
Coding change: c.604_605delinsAA on transcript NM_006015.6 (MANE Select); coding-DNA positions 604 to 605, TC replaced by AA.
Protein change: p.Ser202Asn; replaces serine 202 with asparagine.
Molecular consequence: missense variant.
Genome position (GRCh38, 1-based): chr1:26,697,007-26,697,008, TC replaced by AA. VCF-style: chr1-26697007-TC-AA. GRCh37 (hg19) VCF-style: chr1-27023498-TC-AA.
Other names: c.604_605delinsAA, p.Ser202Asn (NM_139135.4); short protein forms S202N.
Identifiers: ClinVar variation 3724900 (VCV003724900.2).
Genomic context (GRCh38, chr1:26,697,007, plus strand): 5'-GCAGCGCTGCAGAGCGGCGGCGGCGGGGGCCTGGAGCCCTACGCGGGGCCCCAGCAGAAC[TC>AA]TCACGACCACGGCTTCCCCAACCACCAGTACAACTCCTACTACCCCAACCGCAGCGCCTA-3'
Protein context (NP_006006.3, residues 192-212): LEPYAGPQQN[Ser202Asn]HDHGFPNHQY